The following is an entry in ClinVar:

NM_015072.5(TTLL5):c.1483T>C (p.Tyr495His)

Gene: TTLL5 (tubulin tyrosine ligase like 5; plus strand). Cytogenetic location: 14q24.3.
Variant type: single nucleotide variant.
Coding change: c.1483T>C on transcript NM_015072.5 (MANE Select); coding-DNA position 1483, T replaced by C.
Protein change: p.Tyr495His; replaces tyrosine 495 with histidine.
Molecular consequence: missense variant.
Genome position (GRCh38, 1-based): chr14:75,745,577, T>C. VCF-style: chr14-75745577-T-C. GRCh37 (hg19) VCF-style: chr14-76211920-T-C.
Other names: short protein forms Y495H.
Identifiers: ClinVar variation 1964961 (VCV001964961.5), dbSNP rs1594960482, ClinGen allele CA390465895.

ClinVar aggregate classification (germline): Uncertain significance (1 of 4 stars; one submission).

Allele frequency attached by ClinVar (database versions not stated): gnomAD exomes below 0.00001.
gnomAD v4.1: 2 of 1,613,848 alleles (0.00012%); highest among the groups gnomAD compares: Non-Finnish European, 0.00017%; no homozygotes.

Submission:

Labcorp Genetics (formerly Invitae), Labcorp
Classification: Uncertain significance. Last evaluated: 2023-11-18. Review status: criteria provided, single submitter. Criteria: Invitae Variant Classification Sherloc (09022015). Collection method: clinical testing. Allele origin: germline.
Comment: This sequence change replaces tyrosine, which is neutral and polar, with histidine, which is basic and polar, at codon 495 of the TTLL5 protein (p.Tyr495His). This variant is not present in population databases (gnomAD no frequency). This variant has not been reported in the literature in individuals affected with TTLL5-related conditions. ClinVar contains an entry for this variant (Variation ID: 1964961). Advanced modeling of protein sequence and biophysical properties (such as structural, functional, and spatial information, amino acid conservation, physicochemical variation, residue mobility, and thermodynamic stability) performed at Invitae indicates that this missense variant is expected to disrupt TTLL5 protein function with a positive predictive value of 80%. In summary, the available evidence is currently insufficient to determine the role of this variant in disease. Therefore, it has been classified as a Variant of Uncertain Significance.